The following is an entry in ClinVar:

NM_001130987.2(DYSF):c.4150G>A (p.Val1384Met)

Gene: DYSF (dysferlin; plus strand). Cytogenetic location: 2p13.2.
Variant type: single nucleotide variant.
Coding change: c.4150G>A on transcript NM_001130987.2 (MANE Select); coding-DNA position 4150, G replaced by A.
Protein change: p.Val1384Met; replaces valine 1384 with methionine.
Molecular consequence: missense variant.
Genome position (GRCh38, 1-based): chr2:71,611,555, G>A. VCF-style: chr2-71611555-G-A. GRCh37 (hg19) VCF-style: chr2-71838685-G-A.
Other names: c.4099G>A, p.Val1367Met (NM_001130455.2, NM_001130983.2); c.4054G>A, p.Val1352Met (NM_001130976.2, NM_001130977.2); c.4096G>A, p.Val1366Met (NM_001130978.2, NM_003494.4); c.4189G>A, p.Val1397Met (NM_001130979.2); c.4147G>A, p.Val1383Met (NM_001130980.2, NM_001130981.2); c.4192G>A, p.Val1398Met (NM_001130982.2); c.4057G>A, p.Val1353Met (NM_001130984.2, NM_001130986.2); c.4150G>A, p.Val1384Met (NM_001130985.2); short protein forms V1366M, V1384M, V1367M, V1352M, V1383M, V1398M, V1353M, V1397M.
Identifiers: ClinVar variation 555389 (VCV000555389.3), dbSNP rs1404000468, ClinGen allele CA347228568.
Genomic context (GRCh38, chr2:71,611,555, plus strand): 5'-AGTTACCAGCTGGCCAACATCTCCTCCCCCAGCCTCGTGGTAGAGTGTGGGGGCCAGACG[G>A]TGCAGTCCTGTGTCATCAGGAACCTCCGGAAGAACCCCAACTTTGACATCTGCACCCTCT-3'
Protein context (NP_001124459.1, residues 1374-1394): SLVVECGGQT[Val1384Met]QSCVIRNLRK

ClinVar aggregate classification (germline): Uncertain significance. Review status: criteria provided, single submitter (1 of 4 stars). 2 submissions from 2 submitters: Uncertain significance (1). 1 of the submissions does not count toward it. Last evaluated 2025-06-10.

Conditions:
Autosomal recessive limb-girdle muscular dystrophy type 2B (LGMDR2). Also called: Limb-Girdle Muscular Dystrophy Type 2B (LGMD2B); MUSCULAR DYSTROPHY, LIMB-GIRDLE, TYPE 3; Limb-girdle muscular dystrophy, type 2B; MUSCULAR DYSTROPHY, LIMB-GIRDLE, AUTOSOMAL RECESSIVE 2. Identifiers: Orphanet 268, MedGen C1850889, MONDO:0009676, OMIM 253601.

Allele frequency attached by ClinVar (database versions not stated): gnomAD exomes below 0.00001.
gnomAD v4.1: 1 of 1,613,982 alleles (0.000062%); highest among the groups gnomAD compares: African/African-American, 0.0013%; no homozygotes.

Submissions (2):

Women's Health and Genetics/Laboratory Corporation of America, LabCorp
Classification: Uncertain significance. Last evaluated: 2025-06-10. Review status: criteria provided, single submitter. Criteria: LabCorp Variant Classification Summary - May 2015. Collection method: clinical testing. Allele origin: germline.
Comment: Variant summary: DYSF c.4096G>A (p.Val1366Met) results in a conservative amino acid change in the encoded protein sequence. Algorithms developed to predict the effect of missense changes on protein structure and function are either unavailable or do not agree on the potential impact of this missense change. The variant allele was found at a frequency of 4e-06 in 251378 control chromosomes (gnomAD). The available data on variant occurrences in the general population are insufficient to allow any conclusion about variant significance. c.4096G>A has been observed in at least one individual affected with Limb-Girdle Muscular Dystrophy, however this patient carried two co-occurring likely pathogenic variants in cis and trans, which could explain the phenotype (Yu_2017). This report does not provide unequivocal conclusions about association of the variant with Limb-Girdle Muscular Dystrophy, Autosomal Recessive. To our knowledge, no experimental evidence demonstrating an impact on protein function has been reported. The following publication has been ascertained in the context of this evaluation (PMID: 28403181). ClinVar contains an entry for this variant (Variation ID: 555389). Based on the evidence outlined above, the variant was classified as uncertain significance.

Counsyl
Classification: Uncertain significance for Autosomal recessive limb-girdle muscular dystrophy type 2B. Last evaluated: 2017-12-04. Review status: no assertion criteria provided. Collection method: clinical testing. Allele origin: unknown. Not counted in ClinVar's aggregate classification.

Literature cited by the submitters: PubMed 28403181 (cited by Women's Health and Genetics/Laboratory Corporation of America, LabCorp and Counsyl).